The following is an entry in ClinVar:

NM_014332.3(SMPX):c.212C>T (p.Ser71Leu)

Gene: SMPX (small muscle protein X-linked; minus strand). Cytogenetic location: Xp22.12.
Variant type: single nucleotide variant.
Coding change: c.212C>T on transcript NM_014332.3 (MANE Select); coding-DNA position 212, C replaced by T.
Protein change: p.Ser71Leu; replaces serine 71 with leucine.
Molecular consequence: missense variant. On other transcripts: non-coding transcript variant (1).
Genome position (GRCh38, 1-based): chrX:21,737,618, G>A on the plus strand (C>T on the coding strand, the complement: SMPX is on the minus strand). VCF-style: chrX-21737618-G-A. GRCh37 (hg19) VCF-style: chrX-21755736-G-A.
Other names: short protein forms S71L.
Identifiers: ClinVar variation 1946189 (VCV001946189.5), dbSNP rs200892029, ClinGen allele CA10367199.
Genomic context (GRCh38, chrX:21,737,618, plus strand): 5'-TCCTACTACTGTTCAGCTTTGGGGACATATTTTAGTTCACTTTTAATATTCTGGATTTCC[G>A]ATAGATTGACTGCAGGTCCTGGAAGTTTCTTCGCTCCTGGAATTGGCTTCTTCTCCTCAT-3'
Protein context (NP_055147.1, residues 61-81): KKLPGPAVNL[Ser71Leu]EIQNIKSELK

ClinVar aggregate classification (germline): Uncertain significance (1 of 4 stars; one submission).

Allele frequency attached by ClinVar (database versions not stated): gnomAD exomes below 0.00001; TOPMed 0.00001; ExAC 0.00002; gnomAD 0.00004; 1000 Genomes Project 0.00053; 1000 Genomes Project 30x 0.00062.
gnomAD v4.1: 9 of 1,202,855 alleles (0.00075%); highest among the groups gnomAD compares: East Asian, 0.0089%; no homozygotes.

Submission:

Labcorp Genetics (formerly Invitae), Labcorp
Classification: Uncertain significance. Last evaluated: 2022-04-23. Review status: criteria provided, single submitter. Criteria: Invitae Variant Classification Sherloc (09022015). Collection method: clinical testing. Allele origin: germline.
Comment: In summary, the available evidence is currently insufficient to determine the role of this variant in disease. Therefore, it has been classified as a Variant of Uncertain Significance. Algorithms developed to predict the effect of missense changes on protein structure and function are either unavailable or do not agree on the potential impact of this missense change (SIFT: "Deleterious"; PolyPhen-2: "Benign"; Align-GVGD: "Class C25"). This variant has not been reported in the literature in individuals affected with SMPX-related conditions. This variant is present in population databases (rs200892029, gnomAD 0.01%). This sequence change replaces serine, which is neutral and polar, with leucine, which is neutral and non-polar, at codon 71 of the SMPX protein (p.Ser71Leu).